The following is an entry in ClinVar:

ClinVar aggregate classification (germline): Uncertain significance (1 of 4 stars; one submission).

Allele frequency attached by ClinVar (database versions not stated): gnomAD exomes below 0.00001; gnomAD 0.00001; TOPMed 0.00001; ExAC 0.00002; ESP Exome Variant Server 0.00008.
gnomAD v4.1: 8 of 1,614,096 alleles (0.0005%); highest among the groups gnomAD compares: Admixed American, 0.0067%; no homozygotes.

Submission:

Labcorp Genetics (formerly Invitae), Labcorp
Classification: Uncertain significance. Last evaluated: 2022-05-19. Review status: criteria provided, single submitter. Criteria: Invitae Variant Classification Sherloc (09022015). Collection method: clinical testing. Allele origin: germline.
Comment: This sequence change replaces threonine, which is neutral and polar, with isoleucine, which is neutral and non-polar, at codon 70 of the PCARE protein (p.Thr70Ile). This variant is present in population databases (rs376475633, gnomAD 0.01%). This variant has not been reported in the literature in individuals affected with PCARE-related conditions. Algorithms developed to predict the effect of missense changes on protein structure and function output the following: SIFT: "Tolerated"; PolyPhen-2: "Benign"; Align-GVGD: "Class C0". The isoleucine amino acid residue is found in multiple mammalian species, which suggests that this missense change does not adversely affect protein function. In summary, the available evidence is currently insufficient to determine the role of this variant in disease. Therefore, it has been classified as a Variant of Uncertain Significance.

NM_001029883.3(PCARE):c.209C>T (p.Thr70Ile)

Gene: PCARE (photoreceptor cilium actin regulator; minus strand). Cytogenetic location: 2p23.2.
Variant type: single nucleotide variant.
Coding change: c.209C>T on transcript NM_001029883.3 (MANE Select); coding-DNA position 209, C replaced by T.
Protein change: p.Thr70Ile; replaces threonine 70 with isoleucine.
Molecular consequence: missense variant.
Genome position (GRCh38, 1-based): chr2:29,074,053, G>A on the plus strand (C>T on the coding strand, the complement: PCARE is on the minus strand). VCF-style: chr2-29074053-G-A. GRCh37 (hg19) VCF-style: chr2-29296919-G-A.
Other names: short protein forms T70I.
Identifiers: ClinVar variation 1951226 (VCV001951226.2), dbSNP rs376475633, ClinGen allele CA1592694.